The following is an entry in ClinVar:

NM_014994.3(MAPKBP1):c.2082T>C (p.Phe694=)

Gene: MAPKBP1 (mitogen-activated protein kinase binding protein 1; plus strand). Cytogenetic location: 15q15.1.
Variant type: single nucleotide variant.
Coding change: c.2082T>C on transcript NM_014994.3 (MANE Select); coding-DNA position 2082, T replaced by C.
Protein change: p.Phe694=; no amino-acid change (phenylalanine 694 retained).
Molecular consequence: synonymous variant. On other transcripts: non-coding transcript variant (2).
Genome position (GRCh38, 1-based): chr15:41,818,295, T>C. VCF-style: chr15-41818295-T-C. GRCh37 (hg19) VCF-style: chr15-42110493-T-C.
Other names: c.2100T>C, p.Phe700= (NM_001128608.2); c.2082T>C, p.Phe694= (NM_001265611.2).
Identifiers: ClinVar variation 797774 (VCV000797774.11), dbSNP rs113015793, ClinGen allele CA7498048.

ClinVar aggregate classification (germline): Benign/Likely benign. Review status: criteria provided, multiple submitters, no conflicts (2 of 4 stars). 3 submissions from 3 submitters: Benign (1); Likely benign (2). Last evaluated 2026-03-23.

Conditions:
MAPKBP1-related disorder. Also called: MAPKBP1-related condition.

Allele frequency attached by ClinVar (database versions not stated): gnomAD exomes 0.00014 and 0.00005; ExAC 0.00021; 1000 Genomes Project 0.00040; ESP Exome Variant Server 0.00046; 1000 Genomes Project 30x 0.00047; TOPMed 0.00061; gnomAD 0.00064 and 0.00068.
gnomAD v4.1: 176 of 1,613,974 alleles (0.011%); highest among the groups gnomAD compares: African/African-American, 0.2%; no homozygotes.

Submissions (3):

PreventionGenetics, part of Exact Sciences
Classification: Likely benign for MAPKBP1-related condition. Last evaluated: 2026-03-23. Review status: criteria provided, single submitter. Criteria: ACMG Guidelines, 2015. Collection method: clinical testing. Allele origin: germline.
Comment: This variant is classified as likely benign based on ACMG/AMP sequence variant interpretation guidelines (Richards et al. 2015 PMID: 25741868, with internal and published modifications).

Labcorp Genetics (formerly Invitae), Labcorp
Classification: Benign. Last evaluated: 2025-12-07. Review status: criteria provided, single submitter. Criteria: Invitae Variant Classification Sherloc (09022015). Collection method: clinical testing. Allele origin: germline.

Blueprint Genetics
Classification: Likely benign. Last evaluated: 2024-06-03. Review status: criteria provided, single submitter. Criteria: ACMG Guidelines, 2015. Collection method: clinical testing. Allele origin: germline.